The following is an entry in ClinVar:

ClinVar aggregate classification (germline): Uncertain significance (1 of 4 stars; one submission).

gnomAD v4.1: 40 of 1,613,522 alleles (0.0025%); highest among the groups gnomAD compares: Non-Finnish European, 0.0032%; no homozygotes.

Submission:

Labcorp Genetics (formerly Invitae), Labcorp
Classification: Uncertain significance. Last evaluated: 2025-07-02. Review status: criteria provided, single submitter. Criteria: Invitae Variant Classification Sherloc (09022015). Collection method: clinical testing. Allele origin: germline.
Comment: This sequence change replaces lysine, which is basic and polar, with glutamine, which is neutral and polar, at codon 707 of the FBXW7 protein (p.Lys707Gln). This variant is present in population databases (rs759573736, gnomAD 0.005%). This variant has not been reported in the literature in individuals affected with FBXW7-related conditions. An algorithm developed to predict the effect of missense changes on protein structure and function (PolyPhen-2) suggests that this variant is likely to be disruptive. In summary, the available evidence is currently insufficient to determine the role of this variant in disease. Therefore, it has been classified as a Variant of Uncertain Significance.

NM_001349798.2(FBXW7):c.2119A>C (p.Lys707Gln)

Gene: FBXW7 (F-box and WD repeat domain containing 7; minus strand). Cytogenetic location: 4q31.3.
Variant type: single nucleotide variant.
Coding change: c.2119A>C on transcript NM_001349798.2 (MANE Select); coding-DNA position 2119, A replaced by C.
Protein change: p.Lys707Gln; replaces lysine 707 with glutamine.
Molecular consequence: missense variant.
Genome position (GRCh38, 1-based): chr4:152,322,886, T>G on the plus strand (A>C on the coding strand, the complement: FBXW7 is on the minus strand). VCF-style: chr4-152322886-T-G. GRCh37 (hg19) VCF-style: chr4-153244038-T-G.
Other names: c.1765A>C, p.Lys589Gln (NM_001013415.2); c.1879A>C, p.Lys627Gln (NM_018315.5); c.2119A>C, p.Lys707Gln (NM_033632.3); short protein forms K707Q, K589Q, K627Q.
Identifiers: ClinVar variation 4754102 (VCV004754102.1).